The following is an entry in ClinVar:

NM_000899.5(KITLG):c.130-10G>T

Gene: KITLG (KIT ligand; minus strand). Cytogenetic location: 12q21.32.
Variant type: single nucleotide variant.
Coding change: c.130-10G>T on transcript NM_000899.5 (MANE Select); 10 bases into the intron before coding-DNA position 130, G replaced by T.
Molecular consequence: intron variant.
Genome position (GRCh38, 1-based): chr12:88,532,513, C>A on the plus strand (G>T on the coding strand, the complement: KITLG is on the minus strand). VCF-style: chr12-88532513-C-A. GRCh37 (hg19) VCF-style: chr12-88926290-C-A.
Other names: c.130-10G>T (NM_003994.6).
Identifiers: ClinVar variation 682989 (VCV000682989.1), dbSNP rs761387804, ClinGen allele CA6713776.

ClinVar aggregate classification (germline): Likely benign (1 of 4 stars; one submission).

Submission:

GeneDx
Classification: Likely benign. Last evaluated: 2018-04-09. Review status: criteria provided, single submitter. Criteria: GeneDx Variant Classification (06012015). Collection method: clinical testing. Allele origin: germline. Affected: yes.
Comment: This variant is considered likely benign or benign based on one or more of the following criteria: it is a conservative change, it occurs at a poorly conserved position in the protein, it is predicted to be benign by multiple in silico algorithms, and/or has population frequency not consistent with disease.